The following is an entry in ClinVar:

ClinVar aggregate classification (germline): Conflicting classifications of pathogenicity. Review status: criteria provided, conflicting classifications (1 of 4 stars). 3 submissions from 3 submitters: Uncertain significance (1); Benign (2). Last evaluated 2025-11-28.

Conditions:
Emery-Dreifuss muscular dystrophy 5, autosomal dominant (EDMD5). Also called: EMERY-DREIFUSS MUSCULAR DYSTROPHY 5. Identifiers: Orphanet 261, MedGen C2751805, MONDO:0013072, OMIM 612999.

Allele frequency attached by ClinVar (database versions not stated): ESP Exome Variant Server 0.00008; gnomAD exomes 0.00012 and 0.00027; TOPMed 0.00015; gnomAD 0.00021; ExAC 0.00023.
gnomAD v4.1: 223 of 1,613,954 alleles (0.014%); highest among the groups gnomAD compares: Non-Finnish European, 0.0019%; 1 homozygote.

Submissions (3):

Labcorp Genetics (formerly Invitae), Labcorp
Classification: Benign for Emery-Dreifuss muscular dystrophy 5, autosomal dominant. Last evaluated: 2025-11-28. Review status: criteria provided, single submitter. Criteria: Invitae Variant Classification Sherloc (09022015). Collection method: clinical testing. Allele origin: germline.

Illumina Laboratory Services, Illumina
Classification: Benign for Emery-Dreifuss muscular dystrophy 5, autosomal dominant. Last evaluated: 2018-01-13. Review status: criteria provided, single submitter. Criteria: ICSL Variant Classification Criteria 13 December 2019. Collection method: clinical testing. Allele origin: germline.
Comment: This variant was observed in the ICSL laboratory as part of a predisposition screen in an ostensibly healthy population. It had not been previously curated by ICSL or reported in the Human Gene Mutation Database (HGMD: prior to June 1st, 2018), and was therefore a candidate for classification through an automated scoring system. Utilizing variant allele frequency, disease prevalence and penetrance estimates, and inheritance mode, an automated score was calculated to assess if this variant is too frequent to cause the disease. Based on the score and internal cut-off values, a variant classified as benign is not then subjected to further curation. The score for this variant resulted in a classification of benign for this disease.

CeGaT Center for Human Genetics Tuebingen
Classification: Uncertain significance. Last evaluated: 2016-08-01. Review status: criteria provided, single submitter. Criteria: CeGaT Center For Human Genetics Tuebingen Variant Classification Criteria Version 2. Collection method: clinical testing. Allele origin: germline. Affected: yes. Observed: 1 variant allele.

NM_182914.3(SYNE2):c.19194C>T (p.Ala6398=)

Gene: SYNE2 (spectrin repeat containing nuclear envelope protein 2; plus strand). Cytogenetic location: 14q23.2.
Variant type: single nucleotide variant.
Coding change: c.19194C>T on transcript NM_182914.3 (MANE Select); coding-DNA position 19194, C replaced by T.
Protein change: p.Ala6398=; no amino-acid change (alanine 6398 retained).
Molecular consequence: synonymous variant.
Genome position (GRCh38, 1-based): chr14:64,214,331, C>T. VCF-style: chr14-64214331-C-T. GRCh37 (hg19) VCF-style: chr14-64681049-C-T.
Other names: c.19194C>T, p.Ala6398= (NM_015180.6); c.96C>T, p.Ala32= (NM_182913.4).
Identifiers: ClinVar variation 313649 (VCV000313649.54), dbSNP rs144599409, ClinGen allele CA7224340.